The following is an entry in ClinVar:

NM_003803.4(MYOM1):c.4251+6C>T

Gene: MYOM1 (myomesin 1; minus strand). Cytogenetic location: 18p11.31.
Variant type: single nucleotide variant.
Coding change: c.4251+6C>T on transcript NM_003803.4 (MANE Select); 6 bases into the intron after coding-DNA position 4251, C replaced by T.
Molecular consequence: intron variant.
Genome position (GRCh38, 1-based): chr18:3,086,032, G>A on the plus strand (C>T on the coding strand, the complement: MYOM1 is on the minus strand). VCF-style: chr18-3086032-G-A. GRCh37 (hg19) VCF-style: chr18-3086030-G-A.
Other names: c.3963+6C>T (NM_019856.2).
Identifiers: ClinVar variation 2069828 (VCV002069828.4), dbSNP rs560737120, ClinGen allele CA8874011.

ClinVar aggregate classification (germline): Uncertain significance (1 of 4 stars; one submission).

Conditions:
Hypertrophic cardiomyopathy. Also called: HYPERTROPHIC MYOCARDIOPATHY. Identifiers: Orphanet 217569, MedGen C0007194, MeSH D002312, MONDO:0005045, HP:0001639.

Allele frequency attached by ClinVar (database versions not stated): ExAC 0.00003; TOPMed 0.00006; gnomAD 0.00009; 1000 Genomes Project 30x 0.00016; 1000 Genomes Project 0.00020.
gnomAD v4.1: 86 of 1,541,392 alleles (0.0056%); highest among the groups gnomAD compares: African/African-American, 0.015%; no homozygotes.

Submission:

Labcorp Genetics (formerly Invitae), Labcorp
Classification: Uncertain significance for Hypertrophic cardiomyopathy. Last evaluated: 2026-01-10. Review status: criteria provided, single submitter. Criteria: Invitae Variant Classification Sherloc (09022015). Collection method: clinical testing. Allele origin: germline.
Comment: This sequence change falls in intron 30 of the MYOM1 gene. It does not directly change the encoded amino acid sequence of the MYOM1 protein. It affects a nucleotide within the consensus splice site. This variant is present in population databases (rs560737120, gnomAD 0.02%). This variant has not been reported in the literature in individuals affected with MYOM1-related conditions. ClinVar contains an entry for this variant (Variation ID: 2069828). Variants that disrupt the consensus splice site are a relatively common cause of aberrant splicing (PMID: 17576681, 9536098). Algorithms developed to predict the effect of sequence changes on RNA splicing suggest that this variant is not likely to affect RNA splicing. In summary, the available evidence is currently insufficient to determine the role of this variant in disease. Therefore, it has been classified as a Variant of Uncertain Significance.

Literature cited by the submitters: PubMed 17576681; PubMed 9536098.